The following is an entry in ClinVar:

NM_000100.3(CSTB):c.-50C>T

Genes: CSTB (cystatin B; minus strand), LOC130066788 (ATAC-STARR-seq lymphoblastoid silent region 13368; plus strand). Cytogenetic location: 21q22.3.
Variant type: single nucleotide variant.
Coding change: c.-50C>T on transcript NM_000100.3; 50 bases upstream of the start codon, C replaced by T.
Genome position (GRCh38, 1-based): chr21:43,776,319, G>A on the plus strand (C>T on the coding strand, the complement: CSTB is on the minus strand). VCF-style: chr21-43776319-G-A. GRCh37 (hg19) VCF-style: chr21-45196200-G-A.
Identifiers: ClinVar variation 381777 (VCV000381777.3), dbSNP rs553395747, ClinGen allele CA10048961.
Genomic context (GRCh38, chr21:43,776,319, plus strand): 5'-CCGCACATCATCTTGGCGGCGACGGAGGGAATCTGGCGAGGGGACTCGGCGAGGGGACGC[G>A]GCGGCTCCTCAGCCCAAGTAGGCGCTGGGGTCACGTGACGCGCGGGCGGAACCAAGGGGC-3'

ClinVar aggregate classification (germline): Likely benign (1 of 4 stars; one submission).

Allele frequency attached by ClinVar (database versions not stated): ExAC 0.00057; TOPMed 0.00003; 1000 Genomes Project 30x 0.00109; 1000 Genomes Project 0.00120.

Submission:

GeneDx
Classification: Likely benign. Last evaluated: 2017-10-09. Review status: criteria provided, single submitter. Criteria: GeneDx Variant Classification (06012015). Collection method: clinical testing. Allele origin: germline. Affected: yes.
Comment: This variant is considered likely benign or benign based on one or more of the following criteria: it is a conservative change, it occurs at a poorly conserved position in the protein, it is predicted to be benign by multiple in silico algorithms, and/or has population frequency not consistent with disease.